The following is an entry in ClinVar:

NM_032578.4(MYPN):c.3660-2A>C

Gene: MYPN (myopalladin; plus strand). Cytogenetic location: 10q21.3.
Variant type: single nucleotide variant.
Coding change: c.3660-2A>C on transcript NM_032578.4 (MANE Select); the canonical splice acceptor site of the intron before coding-DNA position 3660, A replaced by C.
Molecular consequence: splice acceptor variant.
Genome position (GRCh38, 1-based): chr10:68,206,768, A>C. VCF-style: chr10-68206768-A-C. GRCh37 (hg19) VCF-style: chr10-69966525-A-C.
Other names: c.3660-2A>C (NM_001256267.2); c.2778-2A>C (NM_001256268.2).
Identifiers: ClinVar variation 2108623 (VCV002108623.4), dbSNP rs2496022254, ClinGen allele CA376828041.

ClinVar aggregate classification (germline): Likely pathogenic (1 of 4 stars; one submission).

Conditions:
Dilated cardiomyopathy 1KK (CMD1KK). Identifiers: Orphanet 154, Orphanet 75249, MedGen C3714995, MONDO:0014100, OMIM 615248.

Submission:

Labcorp Genetics (formerly Invitae), Labcorp
Classification: Likely pathogenic for Dilated cardiomyopathy 1KK. Last evaluated: 2022-03-10. Review status: criteria provided, single submitter. Criteria: Invitae Variant Classification Sherloc (09022015). Collection method: clinical testing. Allele origin: germline.
Comment: This sequence change affects an acceptor splice site in intron 18 of the MYPN gene. It is expected to disrupt RNA splicing. Variants that disrupt the donor or acceptor splice site typically lead to a loss of protein function (PMID: 16199547), and loss-of-function variants in MYPN are known to be pathogenic (PMID: 28017374). In summary, the currently available evidence indicates that the variant is pathogenic, but additional data are needed to prove that conclusively. Therefore, this variant has been classified as Likely Pathogenic. Algorithms developed to predict the effect of sequence changes on RNA splicing suggest that this variant may disrupt the consensus splice site. This variant has not been reported in the literature in individuals affected with MYPN-related conditions. This variant is not present in population databases (gnomAD no frequency).

Literature cited by the submitters: PubMed 16199547; PubMed 28017374.